The following is an entry in ClinVar:

NM_001034853.2(RPGR):c.452C>T (p.Thr151Ile)

Gene: RPGR (retinitis pigmentosa GTPase regulator; minus strand). Cytogenetic location: Xp11.4.
Variant type: single nucleotide variant.
Coding change: c.452C>T on transcript NM_001034853.2 (MANE Select); coding-DNA position 452, C replaced by T.
Protein change: p.Thr151Ile; replaces threonine 151 with isoleucine.
Molecular consequence: missense variant. On other transcripts: non-coding transcript variant (6).
Genome position (GRCh38, 1-based): chrX:38,318,846, G>A on the plus strand (C>T on the coding strand, the complement: RPGR is on the minus strand). VCF-style: chrX-38318846-G-A. GRCh37 (hg19) VCF-style: chrX-38178099-G-A.
Other names: c.452C>T, p.Thr151Ile (NM_000328.3, NM_001367245.1, NM_001367246.1 and 3 more transcripts); c.482C>T, p.Thr161Ile (NM_001367248.1); c.449C>T, p.Thr150Ile (NM_001367249.1); short protein forms T151I, T161I, T150I.
Identifiers: ClinVar variation 406539 (VCV000406539.17), dbSNP rs1060501180, ClinGen allele CA16616692.

ClinVar aggregate classification (germline): Uncertain significance (1 of 4 stars; one submission).

Conditions:
Primary ciliary dyskinesia. Also called: Ciliary dyskinesia. Identifiers: Orphanet 244, MedGen C0008780, MONDO:0016575, HP:0012265.

Allele frequency attached by ClinVar (database versions not stated): gnomAD exomes below 0.00001.
gnomAD v4.1: 3 of 1,211,718 alleles (0.00025%); highest among the groups gnomAD compares: Non-Finnish European, 0.00034%; no homozygotes.

Submission:

Labcorp Genetics (formerly Invitae), Labcorp
Classification: Uncertain significance for Primary ciliary dyskinesia. Last evaluated: 2016-08-20. Review status: criteria provided, single submitter. Criteria: Invitae Variant Classification Sherloc (09022015). Collection method: clinical testing. Allele origin: germline.
Comment: In summary, this variant is a novel missense change with uncertain impact on protein function. It has been classified as a Variant of Uncertain Significance. Algorithms developed to predict the effect of missense changes on protein structure and function output the following: (SIFT: "Deleterious"; PolyPhen-2: "Possibly Damaging"; Align-GVGD: "Class C0"). The isoleucine amino acid residue is also found in multiple mammalian species, suggesting that this missense change does not adversely affect protein function. These predictions have not been confirmed by published functional studies. This variant is not present in population databases (ExAC no frequency) and has not been reported in the literature in individuals with a RPGR-related disease. This sequence change replaces threonine with isoleucine at codon 151 of the RPGR protein (p.Thr151Ile). The threonine residue is highly conserved and there is a moderate physicochemical difference between threonine and isoleucine.